The following is an entry in ClinVar:

ClinVar aggregate classification (germline): Uncertain significance (1 of 4 stars; one submission).

gnomAD v4.1: 16 of 1,614,010 alleles (0.00099%); highest among the groups gnomAD compares: Middle Eastern, 0.016%; 1 homozygote.

Submission:

Labcorp Genetics (formerly Invitae), Labcorp
Classification: Uncertain significance. Last evaluated: 2025-08-20. Review status: criteria provided, single submitter. Criteria: Invitae Variant Classification Sherloc (09022015). Collection method: clinical testing. Allele origin: germline.
Comment: This sequence change replaces valine, which is neutral and non-polar, with alanine, which is neutral and non-polar, at codon 291 of the FLNB protein (p.Val291Ala). This variant is present in population databases (rs757375169, gnomAD 0.006%). This variant has not been reported in the literature in individuals affected with FLNB-related conditions. Invitae Evidence Modeling of protein sequence and biophysical properties (such as structural, functional, and spatial information, amino acid conservation, physicochemical variation, residue mobility, and thermodynamic stability) indicates that this missense variant is not expected to disrupt FLNB protein function with a negative predictive value of 80%. In summary, the available evidence is currently insufficient to determine the role of this variant in disease. Therefore, it has been classified as a Variant of Uncertain Significance.

NM_001457.4(FLNB):c.872T>C (p.Val291Ala)

Gene: FLNB (filamin B; plus strand). Cytogenetic location: 3p14.3.
Variant type: single nucleotide variant.
Coding change: c.872T>C on transcript NM_001457.4 (MANE Select); coding-DNA position 872, T replaced by C.
Protein change: p.Val291Ala; replaces valine 291 with alanine.
Molecular consequence: missense variant.
Genome position (GRCh38, 1-based): chr3:58,094,920, T>C. VCF-style: chr3-58094920-T-C. GRCh37 (hg19) VCF-style: chr3-58080647-T-C.
Other names: c.872T>C, p.Val291Ala (NM_001164317.2, NM_001164318.2, NM_001164319.2); short protein forms V291A.
Identifiers: ClinVar variation 4753549 (VCV004753549.1).